The following is an entry in ClinVar:

ClinVar aggregate classification (germline): Conflicting classifications of pathogenicity. Review status: criteria provided, conflicting classifications (1 of 4 stars). 4 submissions from 4 submitters: Uncertain significance (3); Benign (1). Last evaluated 2025-12-13.

Conditions:
Hereditary cancer-predisposing syndrome. Also called: Hereditary neoplastic syndrome; Hereditary Cancer Syndrome; Tumor predisposition; Neoplastic Syndromes, Hereditary. Identifiers: Orphanet 140162, MedGen C0027672, MeSH D009386, MONDO:0015356.

Allele frequency attached by ClinVar (database versions not stated): gnomAD 0.00001; gnomAD exomes 0.00003 and 0.00005; TOPMed 0.00003; ExAC 0.00004.
gnomAD v4.1: 46 of 1,614,018 alleles (0.0029%); highest among the groups gnomAD compares: East Asian, 0.031%; no homozygotes.

Submissions (4):

Labcorp Genetics (formerly Invitae), Labcorp
Classification: Uncertain significance. Last evaluated: 2025-12-13. Review status: criteria provided, single submitter. Criteria: Invitae Variant Classification Sherloc (09022015). Collection method: clinical testing. Allele origin: germline.
Comment: This sequence change replaces arginine, which is basic and polar, with cysteine, which is neutral and slightly polar, at codon 782 of the CTNNA1 protein (p.Arg782Cys). This variant is present in population databases (rs760684787, gnomAD 0.05%). This variant has not been reported in the literature in individuals affected with CTNNA1-related conditions. ClinVar contains an entry for this variant (Variation ID: 648276). An algorithm developed to predict the effect of missense changes on protein structure and function (PolyPhen-2) suggests that this variant is likely to be disruptive. In summary, the available evidence is currently insufficient to determine the role of this variant in disease. Therefore, it has been classified as a Variant of Uncertain Significance.

GeneDx
Classification: Uncertain significance. Last evaluated: 2025-02-20. Review status: criteria provided, single submitter. Criteria: GeneDx Variant Classification Process June 2021. Collection method: clinical testing. Allele origin: germline. Affected: yes.
Comment: In silico analysis supports that this missense variant has a deleterious effect on protein structure/function; Observed in individuals referred for hereditary cancer multi-gene panel testing (PMID: 32051609); This variant is associated with the following publications: (PMID: 32051609)

Blueprint Genetics
Classification: Uncertain significance. Last evaluated: 2022-10-07. Review status: criteria provided, single submitter. Criteria: ACMG Guidelines, 2015. Collection method: clinical testing. Allele origin: germline.

Ambry Genetics
Classification: Benign for Hereditary cancer-predisposing syndrome. Last evaluated: 2022-03-07. Review status: criteria provided, single submitter. Criteria: Ambry Variant Classification Scheme 2023. Collection method: clinical testing. Allele origin: germline.

NM_001903.5(CTNNA1):c.2344C>T (p.Arg782Cys)

Gene: CTNNA1 (catenin alpha 1; plus strand). Cytogenetic location: 5q31.2.
Variant type: single nucleotide variant.
Coding change: c.2344C>T on transcript NM_001903.5 (MANE Select); coding-DNA position 2344, C replaced by T.
Protein change: p.Arg782Cys; replaces arginine 782 with cysteine.
Molecular consequence: missense variant. On other transcripts: intron variant (1).
Genome position (GRCh38, 1-based): chr5:138,932,623, C>T. VCF-style: chr5-138932623-C-T. GRCh37 (hg19) VCF-style: chr5-138268312-C-T.
Other names: c.2344C>T, p.Arg782Cys (NM_001290307.3, NM_001323982.2, NM_001323983.1 and 2 more transcripts); c.2035C>T, p.Arg679Cys (NM_001290309.3); c.1975C>T, p.Arg659Cys (NM_001290310.3); c.1234C>T, p.Arg412Cys (NM_001290312.1, NM_001323987.1, NM_001323988.1 and 16 more transcripts); c.2251C>T, p.Arg751Cys (NM_001323986.2); c.895C>T, p.Arg299Cys (NM_001324006.1, NM_001324007.1, NM_001324008.1 and 2 more transcripts); c.1141C>T, p.Arg381Cys (NM_001324011.1); c.991C>T, p.Arg331Cys (NM_001324012.1, NM_001324013.1); and 1 more; short protein forms R299C, R782C, R412C, R659C, R679C, R381C, R331C, R751C.
Identifiers: ClinVar variation 648276 (VCV000648276.13), dbSNP rs760684787, ClinGen allele CA3432174.